The following is an entry in ClinVar:

ClinVar aggregate classification (germline): Uncertain significance (1 of 4 stars; one submission).

Conditions:
Early-infantile DEE. Also called: Early infantile epileptic encephalopathy; Ohtahara syndrome; Early infantile epileptic encephalopathy with suppression bursts. Identifiers: Orphanet 1934, MedGen C0393706, MONDO:0800491.

Submission:

Labcorp Genetics (formerly Invitae), Labcorp
Classification: Uncertain significance for Early-infantile DEE. Last evaluated: 2024-03-17. Review status: criteria provided, single submitter. Criteria: Invitae Variant Classification Sherloc (09022015). Collection method: clinical testing. Allele origin: germline.
Comment: This sequence change replaces proline, which is neutral and non-polar, with serine, which is neutral and polar, at codon 701 of the ARHGEF15 protein (p.Pro701Ser). This variant is not present in population databases (gnomAD no frequency). This variant has not been reported in the literature in individuals affected with ARHGEF15-related conditions. ClinVar contains an entry for this variant (Variation ID: 461430). An algorithm developed to predict the effect of missense changes on protein structure and function (PolyPhen-2) suggests that this variant is likely to be tolerated. In summary, the available evidence is currently insufficient to determine the role of this variant in disease. Therefore, it has been classified as a Variant of Uncertain Significance.

NM_173728.4(ARHGEF15):c.2101C>T (p.Pro701Ser)

Gene: ARHGEF15 (Rho guanine nucleotide exchange factor 15; plus strand). Cytogenetic location: 17p13.1.
Variant type: single nucleotide variant.
Coding change: c.2101C>T on transcript NM_173728.4 (MANE Select); coding-DNA position 2101, C replaced by T.
Protein change: p.Pro701Ser; replaces proline 701 with serine.
Molecular consequence: missense variant.
Genome position (GRCh38, 1-based): chr17:8,319,074, C>T. VCF-style: chr17-8319074-C-T. GRCh37 (hg19) VCF-style: chr17-8222392-C-T.
Other names: c.2101C>T, p.Pro701Ser (NM_025014.2); short protein forms P701S.
Identifiers: ClinVar variation 461430 (VCV000461430.9), dbSNP rs1555547506, ClinGen allele CA398024494.